The following is an entry in ClinVar:

NM_004329.3(BMPR1A):c.869G>A (p.Gly290Asp)

Gene: BMPR1A (bone morphogenetic protein receptor type 1A; plus strand). Cytogenetic location: 10q23.2.
Variant type: single nucleotide variant.
Coding change: c.869G>A on transcript NM_004329.3 (MANE Select); coding-DNA position 869, G replaced by A.
Protein change: p.Gly290Asp; replaces glycine 290 with aspartic acid.
Molecular consequence: missense variant.
Genome position (GRCh38, 1-based): chr10:86,919,172, G>A. VCF-style: chr10-86919172-G-A. GRCh37 (hg19) VCF-style: chr10-88678929-G-A.
Other names: short protein forms G290D.
Identifiers: ClinVar variation 1423343 (VCV001423343.8), dbSNP rs876660596, ClinGen allele CA377459742.

ClinVar aggregate classification (germline): Uncertain significance (1 of 4 stars; one submission).

Conditions:
Juvenile polyposis syndrome (JPS). Identifiers: Orphanet 2929, MedGen C0345893, MONDO:0017380, OMIM 174900.

Submission:

Labcorp Genetics (formerly Invitae), Labcorp
Classification: Uncertain significance for Juvenile polyposis syndrome. Last evaluated: 2021-04-23. Review status: criteria provided, single submitter. Criteria: Invitae Variant Classification Sherloc (09022015). Collection method: clinical testing. Allele origin: germline.
Comment: This variant has not been reported in the literature in individuals with BMPR1A-related conditions. This variant is not present in population databases (ExAC no frequency). This sequence change replaces glycine with aspartic acid at codon 290 of the BMPR1A protein (p.Gly290Asp). The glycine residue is highly conserved and there is a moderate physicochemical difference between glycine and aspartic acid. Algorithms developed to predict the effect of missense changes on protein structure and function are either unavailable or do not agree on the potential impact of this missense change (SIFT: "Tolerated"; PolyPhen-2: "Probably Damaging"; Align-GVGD: "Class C0"). In summary, the available evidence is currently insufficient to determine the role of this variant in disease. Therefore, it has been classified as a Variant of Uncertain Significance. Algorithms developed to predict the effect of sequence changes on RNA splicing suggest that this variant may disrupt the consensus splice site, but this prediction has not been confirmed by published transcriptional studies.